The following is an entry in ClinVar:

ClinVar aggregate classification (germline): Uncertain significance. Review status: criteria provided, multiple submitters, no conflicts (2 of 4 stars). 2 submissions from 2 submitters: Uncertain significance (2). Last evaluated 2023-11-08.

Conditions:
Severe combined immunodeficiency due to DNA-PKcs deficiency. Also called: IMMUNODEFICIENCY 26 WITH NEUROLOGIC ABNORMALITIES; Immunodeficiency 26 with or without neurologic abnormalities. Identifiers: Orphanet 317425, MedGen C4014833, MONDO:0014423, OMIM 615966.

gnomAD v4.1: 2 of 1,611,262 alleles (0.00012%); highest among the groups gnomAD compares: East Asian, 0.0045%; no homozygotes.

Submissions (2):

Ambry Genetics
Classification: Uncertain significance. Last evaluated: 2023-11-08. Review status: criteria provided, single submitter. Criteria: Ambry Variant Classification Scheme 2023. Collection method: clinical testing. Allele origin: germline.
Comment: The p.Q339H variant (also known as c.1017G>T), located in coding exon 11 of the PRKDC gene, results from a G to T substitution at nucleotide position 1017. The glutamine at codon 339 is replaced by histidine, an amino acid with highly similar properties. This amino acid position is conserved. In addition, this alteration is predicted to be tolerated by in silico analysis. Since supporting evidence is limited at this time, the clinical significance of this alteration remains unclear.

Labcorp Genetics (formerly Invitae), Labcorp
Classification: Uncertain significance for Severe combined immunodeficiency due to DNA-PKcs deficiency. Last evaluated: 2021-08-26. Review status: criteria provided, single submitter. Criteria: Invitae Variant Classification Sherloc (09022015). Collection method: clinical testing. Allele origin: germline.

NM_006904.7(PRKDC):c.1017G>T (p.Gln339His)

Gene: PRKDC (protein kinase, DNA-activated, catalytic subunit; minus strand). Cytogenetic location: 8q11.21.
Variant type: single nucleotide variant.
Coding change: c.1017G>T on transcript NM_006904.7 (MANE Select); coding-DNA position 1017, G replaced by T.
Protein change: p.Gln339His; replaces glutamine 339 with histidine.
Molecular consequence: missense variant.
Genome position (GRCh38, 1-based): chr8:47,939,647, C>A on the plus strand (G>T on the coding strand, the complement: PRKDC is on the minus strand). VCF-style: chr8-47939647-C-A. GRCh37 (hg19) VCF-style: chr8-48852207-C-A.
Other names: c.1017G>T, p.Gln339His (NM_001081640.2); short protein forms Q339H.
Identifiers: ClinVar variation 579425 (VCV000579425.6), dbSNP rs752727983, ClinGen allele CA371166762.